The following is an entry in ClinVar:

ClinVar aggregate classification (germline): Uncertain significance. Review status: criteria provided, multiple submitters, no conflicts (2 of 4 stars). 3 submissions from 3 submitters: Uncertain significance (3). Last evaluated 2025-03-10.

Allele frequency attached by ClinVar (database versions not stated): gnomAD 0.00001 and 0.00003; gnomAD exomes 0.00001 and 0.00002; ExAC 0.00002; TOPMed 0.00002.
gnomAD v4.1: 34 of 1,613,874 alleles (0.0021%); highest among the groups gnomAD compares: Non-Finnish European, 0.0027%; no homozygotes.

Submissions (3):

Labcorp Genetics (formerly Invitae), Labcorp
Classification: Uncertain significance. Last evaluated: 2025-03-10. Review status: criteria provided, single submitter. Criteria: Invitae Variant Classification Sherloc (09022015). Collection method: clinical testing. Allele origin: germline.
Comment: This sequence change replaces asparagine, which is neutral and polar, with serine, which is neutral and polar, at codon 230 of the PSMB4 protein (p.Asn230Ser). This variant is present in population databases (rs762946987, gnomAD 0.003%). This variant has not been reported in the literature in individuals affected with PSMB4-related conditions. ClinVar contains an entry for this variant (Variation ID: 1510211). An algorithm developed to predict the effect of missense changes on protein structure and function (PolyPhen-2) suggests that this variant is likely to be tolerated. In summary, the available evidence is currently insufficient to determine the role of this variant in disease. Therefore, it has been classified as a Variant of Uncertain Significance.

Ambry Genetics
Classification: Uncertain significance. Last evaluated: 2024-11-11. Review status: criteria provided, single submitter. Criteria: Ambry Variant Classification Scheme 2023. Collection method: clinical testing. Allele origin: germline.

Blueprint Genetics
Classification: Uncertain significance. Last evaluated: 2023-07-14. Review status: criteria provided, single submitter. Criteria: ACMG Guidelines, 2015. Collection method: clinical testing. Allele origin: germline.

NM_002796.3(PSMB4):c.689A>G (p.Asn230Ser)

Gene: PSMB4 (proteasome 20S subunit beta 4; plus strand). Cytogenetic location: 1q21.3.
Variant type: single nucleotide variant.
Coding change: c.689A>G on transcript NM_002796.3 (MANE Select); coding-DNA position 689, A replaced by G.
Protein change: p.Asn230Ser; replaces asparagine 230 with serine.
Molecular consequence: missense variant.
Genome position (GRCh38, 1-based): chr1:151,401,351, A>G. VCF-style: chr1-151401351-A-G. GRCh37 (hg19) VCF-style: chr1-151373827-A-G.
Other names: c.689A>G (NM_002796.2); short protein forms N230S.
Identifiers: ClinVar variation 1510211 (VCV001510211.10), dbSNP rs762946987, ClinGen allele CA1090746.
Genomic context (GRCh38, chr1:151,401,351, plus strand): 5'-CCCGCGACTTAGTAGAACGCTGCATGCGAGTGCTGTACTACCGAGATGCCCGTTCTTACA[A>G]CCGGGTGAGGGATGTGCTGGGAACCTAATTGGCGGGCTCTGGCTACTTGCAATCCCTGGG-3'
Protein context (NP_002787.2, residues 220-240): VLYYRDARSY[Asn230Ser]RFQIATVTEK